The following is an entry in ClinVar:

ClinVar aggregate classification (germline): Uncertain significance (1 of 4 stars; one submission).

gnomAD v4.1: 1 of 1,614,132 alleles (0.000062%); highest among the groups gnomAD compares: South Asian, 0.0011%; no homozygotes.

Submission:

Labcorp Genetics (formerly Invitae), Labcorp
Classification: Uncertain significance. Last evaluated: 2025-03-12. Review status: criteria provided, single submitter. Criteria: Invitae Variant Classification Sherloc (09022015). Collection method: clinical testing. Allele origin: germline.
Comment: This sequence change replaces lysine, which is basic and polar, with glutamic acid, which is acidic and polar, at codon 763 of the ALPK1 protein (p.Lys763Glu). This variant is present in population databases (rs770080941, gnomAD 0.003%). This variant has not been reported in the literature in individuals affected with ALPK1-related conditions. Invitae Evidence Modeling of protein sequence and biophysical properties (such as structural, functional, and spatial information, amino acid conservation, physicochemical variation, residue mobility, and thermodynamic stability) indicates that this missense variant is not expected to disrupt ALPK1 protein function with a negative predictive value of 80%. In summary, the available evidence is currently insufficient to determine the role of this variant in disease. Therefore, it has been classified as a Variant of Uncertain Significance.

NM_025144.4(ALPK1):c.2287A>G (p.Lys763Glu)

Gene: ALPK1 (alpha kinase 1; plus strand). Cytogenetic location: 4q25.
Variant type: single nucleotide variant.
Coding change: c.2287A>G on transcript NM_025144.4 (MANE Select); coding-DNA position 2287, A replaced by G.
Protein change: p.Lys763Glu; replaces lysine 763 with glutamic acid.
Molecular consequence: missense variant.
Genome position (GRCh38, 1-based): chr4:112,431,834, A>G. VCF-style: chr4-112431834-A-G. GRCh37 (hg19) VCF-style: chr4-113352990-A-G.
Other names: c.2287A>G, p.Lys763Glu (NM_001102406.2); c.2053A>G, p.Lys685Glu (NM_001253884.2); short protein forms K685E, K763E.
Identifiers: ClinVar variation 4771835 (VCV004771835.1).